The following is an entry in ClinVar:

ClinVar aggregate classification (germline): Uncertain significance (0 of 4 stars; one submission).

Conditions:
RARB-related disorder. Also called: RARB-related condition.

gnomAD v4.1: 41 of 1,352,042 alleles (0.003%); highest among the groups gnomAD compares: Non-Finnish European, 0.0035%; no homozygotes.

Submission:

PreventionGenetics, part of Exact Sciences
Classification: Uncertain significance for RARB-related condition. Last evaluated: 2024-01-05. Review status: no assertion criteria provided. Collection method: clinical testing. Allele origin: germline.
Comment: The RARB c.35C>T variant is predicted to result in the amino acid substitution p.Ala12Val. To our knowledge, this variant has not been reported in the literature. This variant is reported in 0.014% of alleles in individuals of European (Non-Finnish) descent in gnomAD. At this time, the clinical significance of this variant is uncertain due to the absence of conclusive functional and genetic evidence.

NM_001290216.3(RARB):c.35C>T (p.Ala12Val)

Gene: RARB (retinoic acid receptor beta; plus strand). Cytogenetic location: 3p24.2.
Variant type: single nucleotide variant.
Coding change: c.35C>T on transcript NM_001290216.3; coding-DNA position 35, C replaced by T.
Protein change: p.Ala12Val; replaces alanine 12 with valine.
Molecular consequence: missense variant.
Genome position (GRCh38, 1-based): chr3:25,174,432, C>T. VCF-style: chr3-25174432-C-T. GRCh37 (hg19) VCF-style: chr3-25215923-C-T.
Other names: short protein forms A12V.
Identifiers: ClinVar variation 3350009 (VCV003350009.1).